The following is an entry in ClinVar:

NM_001271.4(CHD2):c.3906T>A (p.Asp1302Glu)

Gene: CHD2 (chromodomain helicase DNA binding protein 2; plus strand). Cytogenetic location: 15q26.1.
Variant type: single nucleotide variant.
Coding change: c.3906T>A on transcript NM_001271.4 (MANE Select); coding-DNA position 3906, T replaced by A.
Protein change: p.Asp1302Glu; replaces aspartic acid 1302 with glutamic acid.
Molecular consequence: missense variant.
Genome position (GRCh38, 1-based): chr15:92,998,519, T>A. VCF-style: chr15-92998519-T-A. GRCh37 (hg19) VCF-style: chr15-93541749-T-A.
Other names: short protein forms D1302E.
Identifiers: ClinVar variation 1437901 (VCV001437901.8), dbSNP rs2141868872, ClinGen allele CA393899256.
Genomic context (GRCh38, chr15:92,998,519, plus strand): 5'-GTGGGTGGTGGCGGGTGCTTCTCTTCCTTTCTTGTTGAAGATTCTGCCGGTGGAGACAGA[T>A]AAAAAGCCTCAGGGGAAGCAGCTACAGACCCGAGCGGATTACTTGTTGAAGCTGCTCAGA-3'
Protein context (NP_001262.3, residues 1292-1312): LTDKILPVET[Asp1302Glu]KKPQGKQLQT

ClinVar aggregate classification (germline): Uncertain significance (1 of 4 stars; one submission).

Conditions:
Developmental and epileptic encephalopathy 94 (DEE94). Also called: Epileptic encephalopathy, childhood-onset; CHD2-Related Neurodevelopmental Disorders. Identifiers: Orphanet 1942, Orphanet 2382, MedGen C3809278, MONDO:0014150, OMIM 615369.

Submission:

Labcorp Genetics (formerly Invitae), Labcorp
Classification: Uncertain significance for Developmental and epileptic encephalopathy 94. Last evaluated: 2021-07-21. Review status: criteria provided, single submitter. Criteria: Invitae Variant Classification Sherloc (09022015). Collection method: clinical testing. Allele origin: germline.
Comment: In summary, the available evidence is currently insufficient to determine the role of this variant in disease. Therefore, it has been classified as a Variant of Uncertain Significance. Advanced modeling of protein sequence and biophysical properties (such as structural, functional, and spatial information, amino acid conservation, physicochemical variation, residue mobility, and thermodynamic stability) performed at Invitae indicates that this missense variant is not expected to disrupt CHD2 protein function. This variant has been observed in individual(s) with clinical features of CHD2-related conditions (Invitae). This variant is not present in population databases (ExAC no frequency). This sequence change replaces aspartic acid with glutamic acid at codon 1302 of the CHD2 protein (p.Asp1302Glu). The aspartic acid residue is highly conserved and there is a small physicochemical difference between aspartic acid and glutamic acid.